The following is an entry in ClinVar:

ClinVar aggregate classification (germline): Pathogenic. Review status: reviewed by expert panel (3 of 4 stars). 2 submissions from 2 submitters: Pathogenic (1). 1 of the submissions does not count toward it. Last evaluated 2021-12-02.

Conditions:
Glycogen storage disease, type II (IOPD). Also called: CARDIOMEGALIA GLYCOGENICA DIFFUSA; GLYCOGENOSIS, GENERALIZED, CARDIAC FORM; GSD II; POMPE DISEASE, INFANTILE-ONSET; GLYCOGEN STORAGE DISEASE II, INFANTILE-ONSET; ACID ALPHA-GLUCOSIDASE DEFICIENCY, INFANTILE-ONSET. Identifiers: Orphanet 365, MedGen C0017921, MONDO:0009290, OMIM 232300.

Allele frequency attached by ClinVar (database versions not stated): gnomAD exomes below 0.00001.
gnomAD v4.1: 1 of 1,611,838 alleles (0.000062%); highest among the groups gnomAD compares: Non-Finnish European, 0.000085%; no homozygotes.

Submissions (2):

ClinGen Lysosomal Storage Disorder Variant Curation Expert Panel
Classification: Pathogenic for Glycogen storage disease, type II. Last evaluated: 2021-12-02. Review status: reviewed by expert panel. Criteria: clingen_lsd_acmg_specifications_v2-1. Collection method: curation. Allele origin: germline. Inheritance: Autosomal recessive inheritance.
Comment: The NM_000152.5:c.872T>C variant in GAA is a missense variant predicted to cause substitution of leucine by proline at amino acid 291 (p.Leu291Pro). At least 5 patients have been reported with this variant and features consistent with Pompe disease, including documented laboratory values showing deficiency GAA activity and/or treated with enzyme replacement therapy, and/or features consistent with infantile onset Pompe disease meeting specifications of the ClinGen LSD VCEP for PP4_Moderate (PMID 17151339, 18458862, 22353292, 22658377, 24243590, 25213570, 31193175). Additional patients have also been reported (PMID 18425781, 18458862, 29095275). Four patients are compound heterozygous for the variant and GAA variant classified as pathogenic by the ClinGen LSD VCEP, phase unknown, including c.1411_1414del (PMID 24243590; ClinVar SCV001443324.1), c.1798C>T (p.Arg600Cys)(PMID 18458862, 22353292, 25213570; 2 patients), and c.1935C>A (p.Asp645Glu)(PMID 29095275), and at least 2 patients are homozygous for the variant (PMID 16857770, 17151339, 18458862, 22658377, 31193175)(PM3_Strong). This variant is absent in gnomAD v2.1.1 (PM2_Supporting). When expressed in COS cells, this variant had 0.7% wild type GAA activity in cells and showed evidence of abnormal synthesis and processing on Western blot (PMID:22644586) (PS3_Moderate). The computational predictor REVEL gives a score of 0.908 which is above the threshold of 0.7, evidence that correlates with impact to GAA function (PP3). Two other variants have been identified at the same amino acid position, c.871C>T (p.Leu291Phe) and c.872T>A (p.Leu291His). The data from this variant, c.872T>C (p.Leu291Pro), will be used in the classification of p.Leu291Phe and p.Leu291His and is not included here to avoid circular logic. There is no entry for this variant in ClinVar. In summary, this variant meets the criteria to be classified as pathogenic for Pompe disease. GAA-specific ACMG/AMP criteria met, as specified by the ClinGen LSD VCEP (Specifications Version 2.0): PS3_Moderate, PM3_Strong, PM2_Supporting, PP3, PP4_Moderate.

Genomenon, Inc
Classification: Likely pathogenic for Glycogen storage disease, type II. Last evaluated: 2026-07-01. Review status: criteria provided, single submitter. Criteria: Genomenon Sequence Variant Interpretation Standards - Updated. Collection method: curation. Allele origin: germline. Affected: yes. Not counted in ClinVar's aggregate classification.
Comment: GAA p.Leu291Pro (c.872T>C) is a missense variant that changes the amino acid at codon 291 from Leucine to Proline. This variant has been observed in at least one proband with a GAA-related disorder in the compound heterozygous and/or homozygous state (PMID:36137614;31193175;22353292;16857770;18458862;22658377;25213570). At least one functional study has demonstrated a substantial alteration in protein function relative to the wild-type (PMID:22644586). It is absent or not present at a significant frequency in gnomAD. In silico models predict that this variant is possibly or probably damaging. In conclusion, we classify GAA p.Leu291Pro (c.872T>C) as a likely pathogenic variant.

Literature cited by the submitters: PubMed 36137614 (cited by Genomenon, Inc); PubMed 31193175 (cited by Genomenon, Inc); PubMed 22353292 (cited by Genomenon, Inc); PubMed 16857770 (cited by Genomenon, Inc); PubMed 18458862 (cited by Genomenon, Inc); PubMed 22658377 (cited by Genomenon, Inc); PubMed 25213570 (cited by Genomenon, Inc); PubMed 22644586 (cited by Genomenon, Inc).

NM_000152.5(GAA):c.872T>C (p.Leu291Pro)

Gene: GAA (alpha glucosidase; plus strand). Cytogenetic location: 17q25.3.
Variant type: single nucleotide variant.
Coding change: c.872T>C on transcript NM_000152.5 (MANE Select); coding-DNA position 872, T replaced by C.
Protein change: p.Leu291Pro; replaces leucine 291 with proline.
Molecular consequence: missense variant.
Genome position (GRCh38, 1-based): chr17:80,107,813, T>C. VCF-style: chr17-80107813-T-C. GRCh37 (hg19) VCF-style: chr17-78081612-T-C.
Other names: NM_001079804.3:c.872T>C; c.872T>C, p.Leu291Pro (NM_001079803.3, NM_001079804.3); short protein forms L291P.
Identifiers: ClinVar variation 1327502 (VCV001327502.4), dbSNP rs2143849151, ClinGen allele CA401363854.